The following is an entry in ClinVar:

ClinVar aggregate classification (germline): Uncertain significance (1 of 4 stars; one submission).

Conditions:
Amyotrophic lateral sclerosis type 1 (ALS1). Also called: AMYOTROPHIC LATERAL SCLEROSIS 1, FAMILIAL. Identifiers: Orphanet 803, MedGen C1862939, MONDO:0007103, OMIM 105400.
Perry syndrome. Also called: PARKINSONISM WITH ALVEOLAR HYPOVENTILATION AND MENTAL DEPRESSION. Identifiers: Orphanet 178509, MedGen C1868594, MONDO:0008201, OMIM 168605.
Neuronopathy, distal hereditary motor, type 7B. Also called: NEURONOPATHY, DISTAL HEREDITARY MOTOR, AUTOSOMAL DOMINANT 14; NEURONOPATHY, DISTAL HEREDITARY MOTOR, HARDING TYPE VIIB; NEUROPATHY, DISTAL HEREDITARY MOTOR, HARDING TYPE VIIB; NEUROPATHY, DISTAL HEREDITARY MOTOR, WITH VOCAL CORD PARALYSIS, HARDING TYPE VIIB; HMN VIIB; LOWER MOTOR NEURON DISEASE, DYNACTIN TYPE. Identifiers: Orphanet 139589, MedGen C1843315, MONDO:0011879, OMIM 607641.

Allele frequency attached by ClinVar (database versions not stated): gnomAD exomes below 0.00001; gnomAD 0.00001; TOPMed 0.00001.
gnomAD v4.1: 5 of 1,604,434 alleles (0.00031%); highest among the groups gnomAD compares: Non-Finnish European, 0.00043%; no homozygotes.

Submission:

Labcorp Genetics (formerly Invitae), Labcorp
Classification: Uncertain significance for Amyotrophic lateral sclerosis type 1; Neuronopathy, distal hereditary motor, type 7B; Perry syndrome. Last evaluated: 2022-07-15. Review status: criteria provided, single submitter. Criteria: Invitae Variant Classification Sherloc (09022015). Collection method: clinical testing. Allele origin: germline.
Comment: This sequence change falls in intron 5 of the DCTN1 gene. It does not directly change the encoded amino acid sequence of the DCTN1 protein. It affects a nucleotide within the consensus splice site. The frequency data for this variant in the population databases is considered unreliable, as metrics indicate poor data quality at this position in the gnomAD database. This variant has not been reported in the literature in individuals affected with DCTN1-related conditions. ClinVar contains an entry for this variant (Variation ID: 840193). Variants that disrupt the consensus splice site are a relatively common cause of aberrant splicing (PMID: 17576681, 9536098). Algorithms developed to predict the effect of sequence changes on RNA splicing suggest that this variant may create or strengthen a splice site. In summary, the available evidence is currently insufficient to determine the role of this variant in disease. Therefore, it has been classified as a Variant of Uncertain Significance.

Literature cited by the submitters: PubMed 17576681; PubMed 9536098.

NM_004082.5(DCTN1):c.414+6G>A

Gene: DCTN1 (dynactin subunit 1; minus strand). Cytogenetic location: 2p13.1.
Variant type: single nucleotide variant.
Coding change: c.414+6G>A on transcript NM_004082.5 (MANE Select); 6 bases into the intron after coding-DNA position 414, G replaced by A.
Molecular consequence: intron variant.
Genome position (GRCh38, 1-based): chr2:74,376,736, C>T on the plus strand (G>A on the coding strand, the complement: DCTN1 is on the minus strand). VCF-style: chr2-74376736-C-T. GRCh37 (hg19) VCF-style: chr2-74603863-C-T.
Other names: c.342+696G>A (NM_001190836.2); c.363+6G>A (NM_001378992.1, NM_001378991.1); c.393+696G>A (NM_001135040.3, NM_001190837.2).
Identifiers: ClinVar variation 840193 (VCV000840193.6), dbSNP rs767853891, ClinGen allele CA533710509.
Genomic context (GRCh38, chr2:74,376,736, plus strand): 5'-TGCAGGACAGCTGGGGAAGGGGCTCATGGCCCCCATCCACCCAGGCACAAATAGTAAACA[C>T]ACCACCTTCTTAGGCTTCAGTCCCCGCTGCATGAGGAGTAGGAAAGGGCAGAGTTAGAGA-3'